The following is an entry in ClinVar:

NM_032383.5(HPS3):c.883A>G (p.Arg295Gly)

Gene: HPS3 (HPS3 biogenesis of lysosomal organelles complex 2 subunit 1; plus strand). Cytogenetic location: 3q24.
Variant type: single nucleotide variant.
Coding change: c.883A>G on transcript NM_032383.5 (MANE Select); coding-DNA position 883, A replaced by G.
Protein change: p.Arg295Gly; replaces arginine 295 with glycine.
Molecular consequence: missense variant.
Genome position (GRCh38, 1-based): chr3:149,141,187, A>G. VCF-style: chr3-149141187-A-G. GRCh37 (hg19) VCF-style: chr3-148858974-A-G.
Other names: c.388A>G, p.Arg130Gly (NM_001308258.2); short protein forms R130G, R295G.
Identifiers: ClinVar variation 4687327 (VCV004687327.1).

ClinVar aggregate classification (germline): Uncertain significance (1 of 4 stars; one submission).

gnomAD v4.1: 5 of 1,572,068 alleles (0.00032%); highest among the groups gnomAD compares: South Asian, 0.0056%; no homozygotes.

Submission:

Women's Health and Genetics/Laboratory Corporation of America, LabCorp
Classification: Uncertain significance. Last evaluated: 2025-10-13. Review status: criteria provided, single submitter. Criteria: LabCorp Variant Classification Summary - May 2015. Collection method: clinical testing. Allele origin: germline.
Comment: Variant summary: HPS3 c.883A>G (p.Arg295Gly) results in a non-conservative amino acid change in the encoded protein sequence. Algorithms developed to predict the effect of missense changes on protein structure and function are either unavailable or do not agree on the potential impact of this missense change. Consensus agreement among computation tools predict no significant impact on normal splicing. However, these predictions have yet to be confirmed by functional studies. The variant allele was found at a frequency of 1.2e-05 in 246932 control chromosomes. The available data on variant occurrences in the general population are insufficient to allow any conclusion about variant significance. To our knowledge, no occurrence of c.883A>G in individuals affected with HPS3-related conditions and no experimental evidence demonstrating its impact on protein function have been reported. No submitters have cited clinical-significance assessments for this variant to ClinVar. Based on the evidence outlined above, the variant was classified as uncertain significance.